The following is an entry in ClinVar:

NM_001128840.3(CACNA1D):c.4877G>C (p.Gly1626Ala)

Gene: CACNA1D (calcium voltage-gated channel subunit alpha1 D; plus strand). Cytogenetic location: 3p21.1.
Variant type: single nucleotide variant.
Coding change: c.4877G>C on transcript NM_001128840.3 (MANE Select); coding-DNA position 4877, G replaced by C.
Protein change: p.Gly1626Ala; replaces glycine 1626 with alanine.
Molecular consequence: missense variant.
Genome position (GRCh38, 1-based): chr3:53,786,906, G>C. VCF-style: chr3-53786906-G-C. GRCh37 (hg19) VCF-style: chr3-53820933-G-C.
Other names: c.4937G>C, p.Gly1646Ala (NM_000720.4); c.4832G>C, p.Gly1611Ala (NM_001128839.3); short protein forms G1611A, G1626A, G1646A.
Identifiers: ClinVar variation 2006908 (VCV002006908.4), dbSNP rs765996270, ClinGen allele CA2454999.

ClinVar aggregate classification (germline): Uncertain significance (1 of 4 stars; one submission).

Allele frequency attached by ClinVar (database versions not stated): ExAC 0.00001.
gnomAD v4.1: 1 of 1,614,036 alleles (0.000062%); highest among the groups gnomAD compares: Non-Finnish European, 0.000085%; no homozygotes.

Submission:

Labcorp Genetics (formerly Invitae), Labcorp
Classification: Uncertain significance. Last evaluated: 2022-06-15. Review status: criteria provided, single submitter. Criteria: Invitae Variant Classification Sherloc (09022015). Collection method: clinical testing. Allele origin: germline.
Comment: This variant is present in population databases (rs765996270, gnomAD 0.0009%). This sequence change replaces glycine, which is neutral and non-polar, with alanine, which is neutral and non-polar, at codon 1646 of the CACNA1D protein (p.Gly1646Ala). This variant has not been reported in the literature in individuals affected with CACNA1D-related conditions. In summary, the available evidence is currently insufficient to determine the role of this variant in disease. Therefore, it has been classified as a Variant of Uncertain Significance. Algorithms developed to predict the effect of missense changes on protein structure and function are either unavailable or do not agree on the potential impact of this missense change (SIFT: "Tolerated"; PolyPhen-2: "Probably Damaging"; Align-GVGD: "Class C0").